The following is an entry in ClinVar:

NM_005458.8(GABBR2):c.875A>T (p.Gln292Leu)

Gene: GABBR2 (gamma-aminobutyric acid type B receptor subunit 2; minus strand). Cytogenetic location: 9q22.33.
Variant type: single nucleotide variant.
Coding change: c.875A>T on transcript NM_005458.8 (MANE Select); coding-DNA position 875, A replaced by T.
Protein change: p.Gln292Leu; replaces glutamine 292 with leucine.
Molecular consequence: missense variant.
Genome position (GRCh38, 1-based): chr9:98,473,270, T>A on the plus strand (A>T on the coding strand, the complement: GABBR2 is on the minus strand). VCF-style: chr9-98473270-T-A. GRCh37 (hg19) VCF-style: chr9-101235552-T-A.
Other names: short protein forms Q292L.
Identifiers: ClinVar variation 2061520 (VCV002061520.4), dbSNP rs2491670692, ClinGen allele CA374351493.
Genomic context (GRCh38, chr9:98,473,270, plus strand): 5'-TCCATGGCAGCAAGCAGATTCTTCCGGAGGCAGCGGGATGAGTTGGCTTCCGTGTGCACC[T>A]GCTCCCACCAAGAAGGCTCGTACCAGCCCGGAATGATCCACTGATATTTACTACCATACA-3'
Protein context (NP_005449.5, residues 282-302): PGWYEPSWWE[Gln292Leu]VHTEANSSRC

ClinVar aggregate classification (germline): Uncertain significance (1 of 4 stars; one submission).

Conditions:
Epileptic encephalopathy. Identifiers: MedGen C0543888, HP:0200134.

Submission:

Labcorp Genetics (formerly Invitae), Labcorp
Classification: Uncertain significance for Epileptic encephalopathy. Last evaluated: 2022-07-05. Review status: criteria provided, single submitter. Criteria: Invitae Variant Classification Sherloc (09022015). Collection method: clinical testing. Allele origin: germline.
Comment: In summary, the available evidence is currently insufficient to determine the role of this variant in disease. Therefore, it has been classified as a Variant of Uncertain Significance. Algorithms developed to predict the effect of missense changes on protein structure and function output the following: SIFT: "Tolerated"; PolyPhen-2: "Benign"; Align-GVGD: "Class C0". The leucine amino acid residue is found in multiple mammalian species, which suggests that this missense change does not adversely affect protein function. This variant has not been reported in the literature in individuals affected with GABBR2-related conditions. This variant is not present in population databases (gnomAD no frequency). This sequence change replaces glutamine, which is neutral and polar, with leucine, which is neutral and non-polar, at codon 292 of the GABBR2 protein (p.Gln292Leu).